The following is an entry in ClinVar:

ClinVar aggregate classification (germline): Benign/Likely benign. Review status: criteria provided, multiple submitters, no conflicts (2 of 4 stars). 4 submissions from 4 submitters: Benign (3); Likely benign (1). Last evaluated 2026-01-19.

Conditions:
Familial sleep-related hypermotor epilepsy. Also called: Autosomal Dominant Sleep-Related Hypermotor (Hyperkinetic) Epilepsy. Identifiers: Orphanet 98784, MedGen C3696898, MONDO:0000030.

Allele frequency attached by ClinVar (database versions not stated): gnomAD exomes 0.00014 and 0.00029; ExAC 0.00045; gnomAD 0.00148 and 0.00153; ESP Exome Variant Server 0.00169; TOPMed 0.00169; 1000 Genomes Project 30x 0.00219; 1000 Genomes Project 0.00260.
gnomAD v4.1: 437 of 1,612,624 alleles (0.027%); highest among the groups gnomAD compares: African/African-American, 0.5%; 2 homozygotes.

Submissions (4):

Labcorp Genetics (formerly Invitae), Labcorp
Classification: Benign. Last evaluated: 2026-01-19. Review status: criteria provided, single submitter. Criteria: Invitae Variant Classification Sherloc (09022015). Collection method: clinical testing. Allele origin: germline.

Blueprint Genetics
Classification: Likely benign. Last evaluated: 2024-08-28. Review status: criteria provided, single submitter. Criteria: ACMG Guidelines, 2015. Collection method: clinical testing. Allele origin: germline.

Eurofins Ntd Llc (ga)
Classification: Benign. Last evaluated: 2016-11-29. Review status: criteria provided, single submitter. Criteria: EGL Classification Definitions 2015. Collection method: clinical testing. Allele origin: germline. Observed: 1 variant allele, 1 heterozygote.

GeneDx
Classification: Benign. Last evaluated: 2013-05-16. Review status: criteria provided, single submitter. Criteria: GeneDx Variant Classification (06012015). Collection method: clinical testing. Allele origin: germline. Affected: yes.
Comment: This variant is considered likely benign or benign based on one or more of the following criteria: it is a conservative change, it occurs at a poorly conserved position in the protein, it is predicted to be benign by multiple in silico algorithms, and/or has population frequency not consistent with disease.

NM_000744.7(CHRNA4):c.1758+16G>A

Gene: CHRNA4 (cholinergic receptor nicotinic alpha 4 subunit; minus strand). Cytogenetic location: 20q13.33.
Variant type: single nucleotide variant.
Coding change: c.1758+16G>A on transcript NM_000744.7 (MANE Select); 16 bases into the intron after coding-DNA position 1758, G replaced by A.
Molecular consequence: intron variant.
Genome position (GRCh38, 1-based): chr20:63,349,637, C>T on the plus strand (G>A on the coding strand, the complement: CHRNA4 is on the minus strand). VCF-style: chr20-63349637-C-T. GRCh37 (hg19) VCF-style: chr20-61980989-C-T.
Other names: c.1230+16G>A (NM_001256573.2).
Identifiers: ClinVar variation 136763 (VCV000136763.13), dbSNP rs113109615, ClinGen allele CA290090.